The following is an entry in ClinVar:

NM_181861.2(APAF1):c.912A>G (p.Ala304=)

Gene: APAF1 (apoptotic peptidase activating factor 1; plus strand). Cytogenetic location: 12q23.1.
Variant type: single nucleotide variant.
Coding change: c.912A>G on transcript NM_181861.2 (MANE Select); coding-DNA position 912, A replaced by G.
Protein change: p.Ala304=; no amino-acid change (alanine 304 retained).
Molecular consequence: synonymous variant.
Genome position (GRCh38, 1-based): chr12:98,662,763, A>G. VCF-style: chr12-98662763-A-G. GRCh37 (hg19) VCF-style: chr12-99056541-A-G.
Other names: c.879A>G, p.Ala293= (NM_001160.3, NM_013229.3); c.912A>G, p.Ala304= (NM_181868.2, NM_181869.2).
Identifiers: ClinVar variation 3052213 (VCV003052213.2), dbSNP rs779183383, ClinGen allele CA6733842.

ClinVar aggregate classification (germline): Likely benign (0 of 4 stars; one submission).

Conditions:
APAF1-related disorder. Also called: APAF1-related condition.

Allele frequency attached by ClinVar (database versions not stated): gnomAD 0.00003; ExAC 0.00004; TOPMed 0.00004; gnomAD exomes 0.00005.
gnomAD v4.1: 76 of 1,611,924 alleles (0.0047%); highest among the groups gnomAD compares: Middle Eastern, 0.21%; 2 homozygotes.

Submission:

PreventionGenetics, part of Exact Sciences
Classification: Likely benign for APAF1-related condition. Last evaluated: 2020-02-26. Review status: no assertion criteria provided. Collection method: clinical testing. Allele origin: germline.
Comment: This variant is classified as likely benign based on ACMG/AMP sequence variant interpretation guidelines (Richards et al. 2015 PMID: 25741868, with internal and published modifications).